The following is an entry in ClinVar:

ClinVar aggregate classification (germline): Uncertain significance (1 of 4 stars; one submission).

Conditions:
Charcot-Marie-Tooth disease axonal type 2O. Also called: CHARCOT-MARIE-TOOTH NEUROPATHY, AXONAL, TYPE 2O; Charcot-Marie-Tooth Neuropathy Type 2O; Charcot-Marie-Tooth disease, axonal, type 20; CHARCOT-MARIE-TOOTH DISEASE, AXONAL, AUTOSOMAL DOMINANT, TYPE 2O. Identifiers: Orphanet 284232, MedGen C3280220, MONDO:0013644, OMIM 614228.

Allele frequency attached by ClinVar (database versions not stated): gnomAD 0.00001.
gnomAD v4.1: 2 of 1,614,146 alleles (0.00012%); highest among the groups gnomAD compares: Middle Eastern, 0.017%; no homozygotes.

Submission:

Labcorp Genetics (formerly Invitae), Labcorp
Classification: Uncertain significance for Charcot-Marie-Tooth disease axonal type 2O. Last evaluated: 2023-05-22. Review status: criteria provided, single submitter. Criteria: Invitae Variant Classification Sherloc (09022015). Collection method: clinical testing. Allele origin: germline.
Comment: ClinVar contains an entry for this variant (Variation ID: 1385587). This variant has not been reported in the literature in individuals affected with DYNC1H1-related conditions. This variant is not present in population databases (gnomAD no frequency). In summary, the available evidence is currently insufficient to determine the role of this variant in disease. Therefore, it has been classified as a Variant of Uncertain Significance. Advanced modeling of protein sequence and biophysical properties (such as structural, functional, and spatial information, amino acid conservation, physicochemical variation, residue mobility, and thermodynamic stability) has been performed at Invitae for this missense variant, however the output from this modeling did not meet the statistical confidence thresholds required to predict the impact of this variant on DYNC1H1 protein function. This sequence change replaces aspartic acid, which is acidic and polar, with asparagine, which is neutral and polar, at codon 2917 of the DYNC1H1 protein (p.Asp2917Asn).

NM_001376.5(DYNC1H1):c.8749G>A (p.Asp2917Asn)

Gene: DYNC1H1 (dynein cytoplasmic 1 heavy chain 1; plus strand). Cytogenetic location: 14q32.31.
Variant type: single nucleotide variant.
Coding change: c.8749G>A on transcript NM_001376.5 (MANE Select); coding-DNA position 8749, G replaced by A.
Protein change: p.Asp2917Asn; replaces aspartic acid 2917 with asparagine.
Molecular consequence: missense variant.
Genome position (GRCh38, 1-based): chr14:102,026,685, G>A. VCF-style: chr14-102026685-G-A. GRCh37 (hg19) VCF-style: chr14-102493022-G-A.
Other names: short protein forms D2917N.
Identifiers: ClinVar variation 1385587 (VCV001385587.6), dbSNP rs1595622920, ClinGen allele CA391009299.